The following is an entry in ClinVar:

NM_003235.5(TG):c.6725G>A (p.Arg2242His)

Gene: TG (thyroglobulin; plus strand). Cytogenetic location: 8q24.22.
Variant type: single nucleotide variant.
Coding change: c.6725G>A on transcript NM_003235.5 (MANE Select); coding-DNA position 6725, G replaced by A.
Protein change: p.Arg2242His; replaces arginine 2242 with histidine.
Molecular consequence: missense variant.
Genome position (GRCh38, 1-based): chr8:133,017,940, G>A. VCF-style: chr8-133017940-G-A. GRCh37 (hg19) VCF-style: chr8-134030185-G-A.
Other names: R2223H; short protein forms R2242H.
Identifiers: ClinVar variation 12700 (VCV000012700.9), dbSNP rs2069566, ClinGen allele CA210705.
Genomic context (GRCh38, chr8:133,017,940, plus strand): 5'-GGAAGCAAGTGGACCAGTTCCTTGGAGTTCCATATGCTGCCCCGCCCCTGGCAGAGAGGC[G>A]CTTCCAGGCACCAGAGCCCTTGAACTGGACAGGCTCCTGGGATGCCAGCAAGCCAAGGTA-3'
Protein context (NP_003226.4, residues 2232-2252): PYAAPPLAER[Arg2242His]FQAPEPLNWT

ClinVar aggregate classification (germline): Pathogenic. Review status: criteria provided, multiple submitters, no conflicts (2 of 4 stars). 6 submissions from 6 submitters: Pathogenic (4). 2 of the submissions do not count toward it. Last evaluated 2024-03-29.

Conditions:
Iodotyrosyl coupling defect (TDH3). Also called: THYROID HORMONOGENESIS, GENETIC DEFECT IN, 3; HYPOTHYROIDISM, CONGENITAL, DUE TO DYSHORMONOGENESIS, 3. Identifiers: Orphanet 95716, MedGen C0342194, MONDO:0010135, OMIM 274700.
Autoimmune thyroid disease, susceptibility to, 3. Identifiers: MedGen C1842444, MONDO:0011982, OMIM 608175.

Allele frequency attached by ClinVar (database versions not stated): ExAC 0.00001; gnomAD 0.00001 and 0.00002; gnomAD exomes 0.00001; TOPMed 0.00001.
gnomAD v4.1: 14 of 1,614,066 alleles (0.00087%); highest among the groups gnomAD compares: South Asian, 0.0044%; no homozygotes.

Submissions (6):

Genomic Medicine Center of Excellence, King Faisal Specialist Hospital and Research Centre
Classification: Pathogenic for Iodotyrosyl coupling defect. Last evaluated: 2024-03-29. Review status: criteria provided, single submitter. Criteria: ACMG Guidelines, 2015. Collection method: clinical testing. Allele origin: germline.

Labcorp Genetics (formerly Invitae), Labcorp
Classification: Pathogenic. Last evaluated: 2023-06-28. Review status: criteria provided, single submitter. Criteria: Invitae Variant Classification Sherloc (09022015). Collection method: clinical testing. Allele origin: germline.
Comment: For these reasons, this variant has been classified as Pathogenic. Experimental studies have shown that this missense change affects TG function (PMID: 23035660). Advanced modeling of protein sequence and biophysical properties (such as structural, functional, and spatial information, amino acid conservation, physicochemical variation, residue mobility, and thermodynamic stability) performed at Invitae indicates that this missense variant is expected to disrupt TG protein function. ClinVar contains an entry for this variant (Variation ID: 12700). This variant is also known as R2223H. This missense change has been observed in individual(s) with congenital hypothyroidism (PMID: 12915634, 20089614). In at least one individual the data is consistent with being in trans (on the opposite chromosome) from a pathogenic variant. It has also been observed to segregate with disease in related individuals. This variant is present in population databases (rs2069566, gnomAD 0.003%). This sequence change replaces arginine, which is basic and polar, with histidine, which is basic and polar, at codon 2242 of the TG protein (p.Arg2242His).

GeneDx
Classification: Pathogenic. Last evaluated: 2019-10-11. Review status: criteria provided, single submitter. Criteria: GeneDx Variant Classification Process June 2021. Collection method: clinical testing. Allele origin: germline. Affected: yes.
Comment: Published functional studies demonstrate a damaging effect; insertion of homolgus mutation into mouse AChE cause intracellular retention of the soluble and the GPI-anchored protein and impair AChE function (Raef et al., 2010); In silico analysis, which includes protein predictors and evolutionary conservation, supports a deleterious effect; Also known as R2223H using alternate nomenclature; This variant is associated with the following publications: (PMID: 30542390, 19438905, 12915634, 20089614, 23035660, 29546359)

Baylor Genetics
Classification: Pathogenic for Autoimmune thyroid disease, susceptibility to, 3. Last evaluated: 2019-08-01. Review status: criteria provided, single submitter. Criteria: ACMG Guidelines, 2015. Collection method: clinical testing. Allele origin: unknown. Affected: yes.
Comment: This variant was determined to be pathogenic according to ACMG Guidelines, 2015 [PMID:25741868].

Biochemical Molecular Genetic Laboratory, King Abdulaziz Medical City
Classification: Likely pathogenic for Iodotyrosyl coupling defect. Last evaluated: 2020-02-05. Review status: no assertion criteria provided. Collection method: clinical testing. Allele origin: germline. Affected: yes. Not counted in ClinVar's aggregate classification.

OMIM
Classification: Pathogenic for THYROID DYSHORMONOGENESIS 3. Last evaluated: 2003-08-01. Review status: no assertion criteria provided. Collection method: literature only. Allele origin: germline. Not counted in ClinVar's aggregate classification.

Literature cited by the submitters: PubMed 23035660 (cited by Labcorp Genetics (formerly Invitae), Labcorp); PubMed 12915634 (cited by Labcorp Genetics (formerly Invitae), Labcorp and OMIM); PubMed 20089614 (cited by Labcorp Genetics (formerly Invitae), Labcorp).